The following is an entry in ClinVar:

NM_144997.7(FLCN):c.139G>C (p.Glu47Gln)

Gene: FLCN (folliculin; minus strand). Cytogenetic location: 17p11.2.
Variant type: single nucleotide variant.
Coding change: c.139G>C on transcript NM_144997.7 (MANE Select); coding-DNA position 139, G replaced by C.
Protein change: p.Glu47Gln; replaces glutamic acid 47 with glutamine.
Molecular consequence: missense variant.
Genome position (GRCh38, 1-based): chr17:17,227,999, C>G on the plus strand (G>C on the coding strand, the complement: FLCN is on the minus strand). VCF-style: chr17-17227999-C-G. GRCh37 (hg19) VCF-style: chr17-17131313-C-G.
Other names: c.139G>C (LRG_325t1, NM_144997.6); c.139G>C, p.Glu47Gln (NM_001353229.2, NM_001353230.2, NM_001353231.2 and 1 more transcripts); short protein forms E47Q.
Identifiers: ClinVar variation 187016 (VCV000187016.19), dbSNP rs369115472, ClinGen allele CA196505.

ClinVar aggregate classification (germline): Conflicting classifications of pathogenicity. Review status: criteria provided, conflicting classifications (1 of 4 stars). 7 submissions from 7 submitters: Uncertain significance (6); Likely benign (1). Last evaluated 2026-09-25.

Conditions:
17p11.2 microduplication syndrome (PTLS). Also called: CHROMOSOME 17p11.2 DUPLICATION SYNDROME; Potocki-Lupski syndrome; Duplication 17p11.2 syndrome; Potocki-Lupski syndrome (dup(17)(p11.2p11.2)). Identifiers: Orphanet 1713, MedGen C2931246, MONDO:0012574, OMIM 610883.
Nonpapillary renal cell carcinoma. Identifiers: Orphanet 422526, MedGen CN074294, MONDO:0007763, OMIM 144700.
Birt-Hogg-Dube syndrome. Also called: Birt Hogg Dubé syndrome. Identifiers: Orphanet 122, MedGen C0346010, MONDO:0800444.
Familial spontaneous pneumothorax (PSP). Identifiers: Orphanet 2903, MedGen C1868193, MONDO:0008259, OMIM 173600.
Colorectal cancer. Also called: Malignant Colorectal Neoplasm; Colorectal cancer, somatic. Identifiers: MedGen C0346629, MONDO:0005575, OMIM 114500.
FLCN-related disorder. Also called: FLCN-related condition.
Hereditary cancer-predisposing syndrome. Also called: Neoplastic Syndromes, Hereditary; Tumor predisposition; Hereditary neoplastic syndrome; Hereditary Cancer Syndrome. Identifiers: Orphanet 140162, MedGen C0027672, MeSH D009386, MONDO:0015356.

Allele frequency attached by ClinVar (database versions not stated): gnomAD exomes below 0.00001 and 0.00005; TOPMed 0.00002; gnomAD 0.00003; ESP Exome Variant Server 0.00008.

Submissions (7):

PreventionGenetics, part of Exact Sciences
Classification: Uncertain significance for FLCN-related condition. Last evaluated: 2026-09-25. Review status: criteria provided, single submitter. Criteria: ACMG Guidelines, 2015. Collection method: clinical testing. Allele origin: germline.
Comment: The FLCN c.139G>C variant is predicted to result in the amino acid substitution p.Glu47Gln. To our knowledge, this variant has not been reported in the literature. It is reported in 0.0015% of alleles in individuals of European (Non-Finnish) descent in gnomAD and has conflicting interpretations in ClinVar ranging from likely benign to uncertain (Variation ID: 187016). At this time, the clinical significance of this variant is uncertain due to the absence of conclusive functional and genetic evidence.

Labcorp Genetics (formerly Invitae), Labcorp
Classification: Uncertain significance for Birt-Hogg-Dube syndrome. Last evaluated: 2025-12-31. Review status: criteria provided, single submitter. Criteria: Invitae Variant Classification Sherloc (09022015). Collection method: clinical testing. Allele origin: germline.
Comment: This sequence change replaces glutamic acid, which is acidic and polar, with glutamine, which is neutral and polar, at codon 47 of the FLCN protein (p.Glu47Gln). This variant is present in population databases (rs369115472, gnomAD 0.002%). This variant has not been reported in the literature in individuals affected with FLCN-related conditions. ClinVar contains an entry for this variant (Variation ID: 187016). An algorithm developed to predict the effect of missense changes on protein structure and function (PolyPhen-2) suggests that this variant is likely to be tolerated. In summary, the available evidence is currently insufficient to determine the role of this variant in disease. Therefore, it has been classified as a Variant of Uncertain Significance.

GeneDx
Classification: Uncertain significance. Last evaluated: 2024-09-16. Review status: criteria provided, single submitter. Criteria: GeneDx Variant Classification Process June 2021. Collection method: clinical testing. Allele origin: germline.
Comment: Not observed at significant frequency in large population cohorts (gnomAD); In silico analysis indicates that this missense variant does not alter protein structure/function; Has not been previously published as pathogenic or benign to our knowledge

Quest Diagnostics Nichols Institute San Juan Capistrano
Classification: Uncertain significance. Last evaluated: 2024-03-23. Review status: criteria provided, single submitter. Criteria: Quest Diagnostics criteria. Collection method: clinical testing. Allele origin: unknown.
Comment: The FLCN c.139G>C (p.Glu47Gln) variant has not been reported in individuals with FLCN-related conditions in the published literature. The frequency of this variant in the general population, 0.0000071 (2/282714 chromosomes (Genome Aggregation Database)), is uninformative in the assessment of its pathogenicity. Analysis of this variant using bioinformatics tools for the prediction of the effect of amino acid changes on protein structure and function yielded predictions that this variant is benign. Based on the available information, we are unable to determine the clinical significance of this variant.

Baylor Genetics
Classification: Uncertain significance for Birt-Hogg-Dube syndrome 1. Last evaluated: 2023-09-29. Review status: criteria provided, single submitter. Criteria: ACMG Guidelines, 2015. Collection method: clinical testing. Allele origin: unknown.

Fulgent Genetics
Classification: Uncertain significance for Colorectal cancer; Birt-Hogg-Dube syndrome 1; Nonpapillary renal cell carcinoma; Familial spontaneous pneumothorax; 17p11.2 microduplication syndrome. Last evaluated: 2022-04-13. Review status: criteria provided, single submitter. Criteria: ACMG Guidelines, 2015. Collection method: clinical testing. Allele origin: unknown.

Ambry Genetics
Classification: Likely benign for Hereditary cancer-predisposing syndrome. Last evaluated: 2021-04-22. Review status: criteria provided, single submitter. Criteria: Ambry Variant Classification Scheme 2023. Collection method: clinical testing. Allele origin: germline.